The following is an entry in ClinVar:

ClinVar aggregate classification (germline): Likely benign. Review status: criteria provided, multiple submitters, no conflicts (2 of 4 stars). 3 submissions from 3 submitters: Likely benign (3). Last evaluated 2026-01-05.

Conditions:
GDAP1-related disorder. Also called: GDAP1-related disorders; GDAP1-related condition.
Inborn genetic diseases. Identifiers: MedGen C0950123, MeSH D030342.
Charcot-Marie-Tooth disease type 4A. Also called: Charcot-Marie-Tooth disease, demyelinating, autosomal recessive, type 4a. Identifiers: Orphanet 99948, MedGen C1859198, MONDO:0008961, OMIM 214400.

Allele frequency attached by ClinVar (database versions not stated): ExAC 0.00002; gnomAD exomes 0.00004 and 0.00019; ESP Exome Variant Server 0.00008; TOPMed 0.00031; gnomAD 0.00049 and 0.00052.
gnomAD v4.1: 132 of 1,612,360 alleles (0.0082%); highest among the groups gnomAD compares: Admixed American, 0.19%; 1 homozygote.

Submissions (3):

Labcorp Genetics (formerly Invitae), Labcorp
Classification: Likely benign for Charcot-Marie-Tooth disease type 4A. Last evaluated: 2026-01-05. Review status: criteria provided, single submitter. Criteria: Invitae Variant Classification Sherloc (09022015). Collection method: clinical testing. Allele origin: germline.

PreventionGenetics, part of Exact Sciences
Classification: Likely benign for GDAP1-related condition. Last evaluated: 2025-09-03. Review status: criteria provided, single submitter. Criteria: ACMG Guidelines, 2015. Collection method: clinical testing. Allele origin: germline.
Comment: This variant is classified as likely benign based on ACMG/AMP sequence variant interpretation guidelines (Richards et al. 2015 PMID: 25741868, with internal and published modifications).

Ambry Genetics
Classification: Likely benign for Inborn genetic diseases. Last evaluated: 2019-07-11. Review status: criteria provided, single submitter. Criteria: Ambry Variant Classification Scheme 2023. Collection method: clinical testing. Allele origin: germline.

NM_018972.4(GDAP1):c.474A>G (p.Thr158=)

Gene: GDAP1 (ganglioside induced differentiation associated protein 1; plus strand). Cytogenetic location: 8q21.11.
Variant type: single nucleotide variant.
Coding change: c.474A>G on transcript NM_018972.4 (MANE Select); coding-DNA position 474, A replaced by G.
Protein change: p.Thr158=; no amino-acid change (threonine 158 retained).
Molecular consequence: synonymous variant. On other transcripts: intron variant (1).
Genome position (GRCh38, 1-based): chr8:74,360,300, A>G. VCF-style: chr8-74360300-A-G. GRCh37 (hg19) VCF-style: chr8-75272535-A-G.
Other names: c.270A>G, p.Thr90= (NM_001040875.4); c.147A>G, p.Thr49= (NM_001362929.2, NM_001362932.2); c.474A>G, p.Thr158= (NM_001362931.2); c.311-1584A>G (NM_001362930.2).
Identifiers: ClinVar variation 467763 (VCV000467763.14), dbSNP rs202215041, ClinGen allele CA4785105.